The following is an entry in ClinVar:

ClinVar aggregate classification (germline): Pathogenic (1 of 4 stars; one submission).

Conditions:
Landau-Kleffner syndrome (FESD). Also called: EPILEPSY, FOCAL, WITH SPEECH DISORDER AND WITH OR WITHOUT MENTAL RETARDATION; APHASIA, ACQUIRED, WITH EPILEPSY. Identifiers: Orphanet 1945, Orphanet 725, Orphanet 98818, MedGen C0282512, MONDO:0009509, OMIM 245570.

Submission:

Labcorp Genetics (formerly Invitae), Labcorp
Classification: Pathogenic for Landau-Kleffner syndrome. Last evaluated: 2022-08-22. Review status: criteria provided, single submitter. Criteria: Invitae Variant Classification Sherloc (09022015). Collection method: clinical testing. Allele origin: germline.
Comment: This variant is a gross deletion of the genomic region encompassing exon(s) 5 of the GRIN2A gene. This deletion is out-of-frame, and is expected to create a premature termination codon and result in an absent or disrupted protein product. Loss-of-function variants in GRIN2A are known to be pathogenic (PMID: 23933819, 23933820). This variant has not been reported in the literature in individuals affected with GRIN2A-related conditions. For these reasons, this variant has been classified as Pathogenic.

Literature cited by the submitters: PubMed 23933819; PubMed 23933820.

NC_000016.10:g.(?_9890966)_(9891120_?)del

Gene: GRIN2A (glutamate ionotropic receptor NMDA type subunit 2A; minus strand). Cytogenetic location: 16p13.2.
Variant type: Deletion.
Identifiers: ClinVar variation 532726 (VCV000532726.2).